The following is an entry in ClinVar:

ClinVar aggregate classification (germline): Uncertain significance (1 of 4 stars; one submission).

Conditions:
Spastic paraplegia. Identifiers: MedGen C0037772, HP:0001258.

gnomAD v4.1: 1 of 1,613,918 alleles (0.000062%); highest among the groups gnomAD compares: Non-Finnish European, 0.000085%; no homozygotes.

Submission:

Labcorp Genetics (formerly Invitae), Labcorp
Classification: Uncertain significance for Spastic paraplegia. Last evaluated: 2023-05-08. Review status: criteria provided, single submitter. Criteria: Invitae Variant Classification Sherloc (09022015). Collection method: clinical testing. Allele origin: germline.
Comment: An algorithm developed to predict the effect of missense changes on protein structure and function (PolyPhen-2) suggests that this variant is likely to be disruptive. In summary, the available evidence is currently insufficient to determine the role of this variant in disease. Therefore, it has been classified as a Variant of Uncertain Significance. ClinVar contains an entry for this variant (Variation ID: 947524). This variant has not been reported in the literature in individuals affected with AP4E1-related conditions. This variant is not present in population databases (gnomAD no frequency). This sequence change replaces glycine, which is neutral and non-polar, with alanine, which is neutral and non-polar, at codon 705 of the AP4E1 protein (p.Gly705Ala).

NM_007347.5(AP4E1):c.2114G>C (p.Gly705Ala)

Gene: AP4E1 (adaptor related protein complex 4 subunit epsilon 1; plus strand). Cytogenetic location: 15q21.2.
Variant type: single nucleotide variant.
Coding change: c.2114G>C on transcript NM_007347.5 (MANE Select); coding-DNA position 2114, G replaced by C.
Protein change: p.Gly705Ala; replaces glycine 705 with alanine.
Molecular consequence: missense variant.
Genome position (GRCh38, 1-based): chr15:50,993,393, G>C. VCF-style: chr15-50993393-G-C. GRCh37 (hg19) VCF-style: chr15-51285590-G-C.
Other names: c.1889G>C, p.Gly630Ala (NM_001252127.2); short protein forms G705A, G630A.
Identifiers: ClinVar variation 947524 (VCV000947524.9), dbSNP rs371288194, ClinGen allele CA392419235.
Genomic context (GRCh38, chr15:50,993,393, plus strand): 5'-ATTTAAGTTGACTTGATTTTATTATCAACCTCCTTAGGACAAATAGCTTGAAGCTGGAAG[G>C]TATAAAGAAATTGTGGGGGAAAGAAGGCTATCTTCCCAAGAAGGAAAGCAAAACTGGTGA-3'
Protein context (NP_031373.2, residues 695-715): LKETNSLKLE[Gly705Ala]IKKLWGKEGY